The following is an entry in ClinVar:

NM_004304.5(ALK):c.812C>T (p.Pro271Leu)

Gene: ALK (ALK receptor tyrosine kinase; minus strand). Cytogenetic location: 2p23.2.
Variant type: single nucleotide variant.
Coding change: c.812C>T on transcript NM_004304.5 (MANE Select); coding-DNA position 812, C replaced by T.
Protein change: p.Pro271Leu; replaces proline 271 with leucine.
Molecular consequence: missense variant.
Genome position (GRCh38, 1-based): chr2:29,694,990, G>A on the plus strand (C>T on the coding strand, the complement: ALK is on the minus strand). VCF-style: chr2-29694990-G-A. GRCh37 (hg19) VCF-style: chr2-29917856-G-A.
Other names: short protein forms P271L.
Identifiers: ClinVar variation 4834607 (VCV004834607.1).

ClinVar aggregate classification (germline): Uncertain significance (1 of 4 stars; one submission).

Conditions:
Hereditary cancer-predisposing syndrome. Also called: Neoplastic Syndromes, Hereditary; Tumor predisposition; Hereditary Cancer Syndrome; Hereditary neoplastic syndrome. Identifiers: Orphanet 140162, MedGen C0027672, MeSH D009386, MONDO:0015356.

Submission:

Ambry Genetics
Classification: Uncertain significance for Hereditary cancer-predisposing syndrome. Last evaluated: 2026-03-13. Review status: criteria provided, single submitter. Criteria: Ambry Variant Classification Scheme 2023. Collection method: clinical testing. Allele origin: germline.
Comment: The p.P271L variant (also known as c.812C>T), located in coding exon 3 of the ALK gene, results from a C to T substitution at nucleotide position 812. The proline at codon 271 is replaced by leucine, an amino acid with similar properties. This amino acid position is conserved. In addition, the in silico prediction for this alteration is inconclusive. Based on the available evidence, the clinical significance of this variant remains unclear.